The following is an entry in ClinVar:

ClinVar aggregate classification (germline): Benign/Likely benign. Review status: criteria provided, multiple submitters, no conflicts (2 of 4 stars). 3 submissions from 3 submitters: Benign (1); Likely benign (2). Last evaluated 2026-07-13.

Conditions:
Rhabdoid tumor predisposition syndrome 2 (RTPS2). Identifiers: Orphanet 231108, Orphanet 69077, MedGen C2750074, MONDO:0013224, OMIM 613325.
Hereditary cancer-predisposing syndrome. Also called: Tumor predisposition; Neoplastic Syndromes, Hereditary; Hereditary Cancer Syndrome; Hereditary neoplastic syndrome. Identifiers: Orphanet 140162, MedGen C0027672, MeSH D009386, MONDO:0015356.

Allele frequency attached by ClinVar (database versions not stated): gnomAD exomes below 0.00001.
gnomAD v4.1: 1 of 1,613,572 alleles (0.000062%); highest among the groups gnomAD compares: South Asian, 0.0011%; no homozygotes.

Submissions (3):

Myriad Genetics, Inc.
Classification: Benign for Rhabdoid tumor predisposition syndrome 2. Last evaluated: 2026-07-13. Review status: criteria provided, single submitter. Criteria: Myriad Autosomal Dominant, Autosomal Recessive and X-Linked Classification Criteria (2023). Collection method: clinical testing. Allele origin: unknown.
Comment: This variant is considered benign. This variant is a silent/synonymous amino acid change and it is not expected to impact splicing.

Labcorp Genetics (formerly Invitae), Labcorp
Classification: Likely benign for Rhabdoid tumor predisposition syndrome 2. Last evaluated: 2024-04-29. Review status: criteria provided, single submitter. Criteria: Invitae Variant Classification Sherloc (09022015). Collection method: clinical testing. Allele origin: germline.

Ambry Genetics
Classification: Likely benign for Hereditary cancer-predisposing syndrome. Last evaluated: 2021-02-12. Review status: criteria provided, single submitter. Criteria: Ambry Variant Classification Scheme 2023. Collection method: clinical testing. Allele origin: germline.

NM_003072.5(SMARCA4):c.2655C>T (p.Arg885=)

Gene: SMARCA4 (SWI/SNF related BAF chromatin remodeling complex subunit ATPase 4; plus strand). Cytogenetic location: 19p13.2.
Variant type: single nucleotide variant.
Coding change: c.2655C>T on transcript NM_003072.5 (MANE Select); coding-DNA position 2655, C replaced by T.
Protein change: p.Arg885=; no amino-acid change (arginine 885 retained).
Molecular consequence: synonymous variant. On other transcripts: non-coding transcript variant (1).
Genome position (GRCh38, 1-based): chr19:11,021,763, C>T. VCF-style: chr19-11021763-C-T. GRCh37 (hg19) VCF-style: chr19-11132439-C-T.
Other names: c.2655C>T, p.Arg885= (NM_001128844.3, NM_001128845.2, NM_001128846.2 and 5 more transcripts).
Identifiers: ClinVar variation 537768 (VCV000537768.12), dbSNP rs1555778702, ClinGen allele CA505743535.